The following is an entry in ClinVar:

NM_002471.4(MYH6):c.231G>A (p.Leu77=)

Genes: MYH6 (myosin heavy chain 6; minus strand), LOC114827851 (VISTA enhancer hs2155; plus strand). Cytogenetic location: 14q11.2.
Variant type: single nucleotide variant.
Coding change: c.231G>A on transcript NM_002471.4 (MANE Select); coding-DNA position 231, G replaced by A.
Protein change: p.Leu77=; no amino-acid change (leucine 77 retained).
Molecular consequence: synonymous variant.
Genome position (GRCh38, 1-based): chr14:23,405,741, C>T on the plus strand (G>A on the coding strand, the complement: MYH6 is on the minus strand). VCF-style: chr14-23405741-C-T. GRCh37 (hg19) VCF-style: chr14-23874950-C-T.
Identifiers: ClinVar variation 3371968 (VCV003371968.2).

ClinVar aggregate classification (germline): Conflicting classifications of pathogenicity. Review status: criteria provided, conflicting classifications (1 of 4 stars). 2 submissions from 2 submitters: Uncertain significance (1); Likely benign (1). Last evaluated 2024-10-28.

Conditions:
Cardiovascular phenotype. Identifiers: MedGen CN230736.

gnomAD v4.1: 8 of 1,614,126 alleles (0.0005%); highest among the groups gnomAD compares: Non-Finnish European, 0.00068%; no homozygotes.

Submissions (2):

Ambry Genetics
Classification: Likely benign for Cardiovascular phenotype. Last evaluated: 2024-10-28. Review status: criteria provided, single submitter. Criteria: Ambry Variant Classification Scheme 2023. Collection method: clinical testing. Allele origin: germline.

GeneDx
Classification: Uncertain significance. Last evaluated: 2024-04-03. Review status: criteria provided, single submitter. Criteria: GeneDx Variant Classification Process June 2021. Collection method: clinical testing. Allele origin: germline. Affected: yes.
Comment: Not observed at significant frequency in large population cohorts (gnomAD); In silico analysis supports that this variant does not alter splicing; Has not been previously published as pathogenic or benign to our knowledge